The following is an entry in ClinVar:

NM_000183.3(HADHB):c.50G>A (p.Trp17Ter)

Gene: HADHB (hydroxyacyl-CoA dehydrogenase trifunctional multienzyme complex subunit beta; plus strand). Cytogenetic location: 2p23.3.
Variant type: single nucleotide variant.
Coding change: c.50G>A on transcript NM_000183.3 (MANE Select); coding-DNA position 50, G replaced by A.
Protein change: p.Trp17Ter; replaces tryptophan 17 with a stop codon.
Molecular consequence: nonsense. On other transcripts: 5 prime UTR variant (1).
Genome position (GRCh38, 1-based): chr2:26,254,304, G>A. VCF-style: chr2-26254304-G-A. GRCh37 (hg19) VCF-style: chr2-26477172-G-A.
Other names: c.50G>A, p.Trp17Ter (NM_001281512.2); c.-100G>A (NM_001281513.2); short protein forms W17*.
Identifiers: ClinVar variation 2193793 (VCV002193793.4), dbSNP rs1671524499, ClinGen allele CA346101087.

ClinVar aggregate classification (germline): Pathogenic (1 of 4 stars; one submission).

Conditions:
Mitochondrial trifunctional protein deficiency. Identifiers: Orphanet 746, MedGen C1969443, MONDO:0012172.

gnomAD v4.1: 1 of 1,543,688 alleles (0.000065%); no homozygotes.

Submission:

Labcorp Genetics (formerly Invitae), Labcorp
Classification: Pathogenic for Mitochondrial trifunctional protein deficiency. Last evaluated: 2023-08-04. Review status: criteria provided, single submitter. Criteria: Invitae Variant Classification Sherloc (09022015). Collection method: clinical testing. Allele origin: germline.
Comment: This sequence change creates a premature translational stop signal (p.Trp17*) in the HADHB gene. It is expected to result in an absent or disrupted protein product. Loss-of-function variants in HADHB are known to be pathogenic (PMID: 9259266, 12754706). This variant is not present in population databases (gnomAD no frequency). This variant has not been reported in the literature in individuals affected with HADHB-related conditions. ClinVar contains an entry for this variant (Variation ID: 2193793). For these reasons, this variant has been classified as Pathogenic.

Literature cited by the submitters: PubMed 9259266; PubMed 12754706.